The following is an entry in ClinVar:

ClinVar aggregate classification (germline): Pathogenic (1 of 4 stars; one submission).

Conditions:
Neurofibromatosis, type 1 (NF1). Also called: VON RECKLINGHAUSEN DISEASE; NEUROFIBROMATOSIS, TYPE I, SOMATIC; Neurofibromatosis, type I; Peripheral type neurofibromatosis. Identifiers: Orphanet 636, MedGen C0027831, MONDO:0018975, OMIM 162200. Disease mechanism: loss of function.

Submission:

Labcorp Genetics (formerly Invitae), Labcorp
Classification: Pathogenic for Neurofibromatosis, type 1. Last evaluated: 2021-09-09. Review status: criteria provided, single submitter. Criteria: Invitae Variant Classification Sherloc (09022015). Collection method: clinical testing. Allele origin: germline.
Comment: For these reasons, this variant has been classified as Pathogenic. This variant has not been reported in the literature in individuals affected with NF1-related conditions. This variant is not present in population databases (ExAC no frequency). This sequence change creates a premature translational stop signal (p.Glu37*) in the NF1 gene. It is expected to result in an absent or disrupted protein product. Loss-of-function variants in NF1 are known to be pathogenic (PMID: 10712197, 23913538).

Literature cited by the submitters: PubMed 10712197; PubMed 23913538.

NM_001042492.3(NF1):c.109G>T (p.Glu37Ter)

Gene: NF1 (neurofibromin 1; plus strand). Cytogenetic location: 17q11.2.
Variant type: single nucleotide variant.
Coding change: c.109G>T on transcript NM_001042492.3 (MANE Select); coding-DNA position 109, G replaced by T.
Protein change: p.Glu37Ter; replaces glutamic acid 37 with a stop codon.
Molecular consequence: nonsense.
Genome position (GRCh38, 1-based): chr17:31,156,031, G>T. VCF-style: chr17-31156031-G-T. GRCh37 (hg19) VCF-style: chr17-29483049-G-T.
Other names: c.109G>T, p.Glu37Ter (NM_000267.4, NM_001128147.3); short protein forms E37*.
Identifiers: ClinVar variation 1429099 (VCV001429099.6), dbSNP rs2143625963, ClinGen allele CA398988283.